The following is an entry in ClinVar:

NM_000431.4(MVK):c.632-19_632-18inv

Gene: MVK (mevalonate kinase; plus strand). Cytogenetic location: 12q24.11.
Variant type: Inversion.
Coding change: c.632-19_632-18inv on transcript NM_000431.4 (MANE Select).
Molecular consequence: intron variant.
Genome position: GRCh38 VCF-style: chr12-109586735-CA-TG. GRCh37 (hg19) VCF-style: chr12-110024540-CA-TG.
Other names: c.476-19_476-18inv (NM_001301182.2); c.632-19_632-18inv (NM_001114185.3); c.632-19_632-18delinsTG (NM_000431.4).
Identifiers: ClinVar variation 2043472 (VCV002043472.4), ClinGen allele CA2580085763.
Genomic context (GRCh38, chr12:109,586,735, plus strand): 5'-CAAAGTTCAACCTCTCTCCCAAGTAGCACAGATATGTTAGCTTTTCCCACAGCTCTGACC[CA>TG]CTGGTTTTTCTCTTTAGGAGGAGCCCTCCGATACCATCAAGGGAAGATTTCATCCTTAAA-3'

ClinVar aggregate classification (germline): Conflicting classifications of pathogenicity. Review status: criteria provided, conflicting classifications (1 of 4 stars). 2 submissions from 2 submitters: Uncertain significance (1); Likely benign (1). Last evaluated 2025-11-28.

Conditions:
Porokeratosis 3, disseminated superficial actinic type (POROK3). Also called: POROKERATOSIS 3, MULTIPLE TYPES; POROKERATOSIS 3, MIBELLI TYPE; POROKERATOSIS, DISSEMINATED SUPERFICIAL ACTINIC, 1. Identifiers: MedGen C1867981, MONDO:0008293, OMIM 175900.
Hyperimmunoglobulin D with periodic fever (HIDS). Also called: Hyperimmunoglobulinemia D; Hyperimmunoglobulinemia D with periodic fever; HYPERIMMUNOGLOBULINEMIA D AND PERIODIC FEVER SYNDROME. Identifiers: Orphanet 343, MedGen C0398691, MONDO:0009849, OMIM 260920.
Mevalonic aciduria (MEVA). Identifiers: Orphanet 29, MedGen C1959626, MONDO:0012481, OMIM 610377.

Submissions (2):

Labcorp Genetics (formerly Invitae), Labcorp
Classification: Uncertain significance for Mevalonic aciduria; Hyperimmunoglobulin D with periodic fever; Porokeratosis 3, disseminated superficial actinic type. Last evaluated: 2025-11-28. Review status: criteria provided, single submitter. Criteria: Invitae Variant Classification Sherloc (09022015). Collection method: clinical testing. Allele origin: germline.
Comment: This sequence change falls in intron 6 of the MVK gene. It does not directly change the encoded amino acid sequence of the MVK protein. Information on the frequency of this variant in the gnomAD database is not available, as this variant may be reported differently in the database. This variant has not been reported in the literature in individuals affected with MVK-related conditions. ClinVar contains an entry for this variant (Variation ID: 2043472). Experimental studies and prediction algorithms are not available or were not evaluated, and the effect of this variant on mRNA splicing is currently unknown. In summary, the available evidence is currently insufficient to determine the role of this variant in disease. Therefore, it has been classified as a Variant of Uncertain Significance.

Women's Health and Genetics/Laboratory Corporation of America, LabCorp
Classification: Likely benign. Last evaluated: 2025-06-30. Review status: criteria provided, single submitter. Criteria: LabCorp Variant Classification Summary - May 2015. Collection method: clinical testing. Allele origin: germline.
Comment: Variant summary: MVK c.632-19_632-18delinsTG alters a nucleotide located at a position not widely known to affect splicing. Consensus agreement among computation tools predict no significant impact on normal splicing. However, these predictions have yet to be confirmed by functional studies. The variant was absent in 282486 control chromosomes (gnomAD). The available data on variant occurrences in the general population are insufficient to allow any conclusion about variant significance. To our knowledge, no occurrence of c.632-19_632-18delinsTG in individuals affected with Hyperimmunoglobulin D with periodic fever and no experimental evidence demonstrating its impact on protein function have been reported. ClinVar contains an entry for this variant (Variation ID: 2043472). Based on the evidence outlined above, the variant was classified as likely benign.